The following is an entry in ClinVar:

ClinVar aggregate classification (germline): Uncertain significance (1 of 4 stars; one submission).

gnomAD v4.1: 5 of 1,610,318 alleles (0.00031%); highest among the groups gnomAD compares: East Asian, 0.0022%; no homozygotes.

Submission:

Labcorp Genetics (formerly Invitae), Labcorp
Classification: Uncertain significance. Last evaluated: 2024-11-27. Review status: criteria provided, single submitter. Criteria: Invitae Variant Classification Sherloc (09022015). Collection method: clinical testing. Allele origin: germline.
Comment: This sequence change replaces arginine, which is basic and polar, with histidine, which is basic and polar, at codon 368 of the DNA2 protein (p.Arg368His). This variant is present in population databases (no rsID available, gnomAD 0.007%). This variant has not been reported in the literature in individuals affected with DNA2-related conditions. Invitae Evidence Modeling of protein sequence and biophysical properties (such as structural, functional, and spatial information, amino acid conservation, physicochemical variation, residue mobility, and thermodynamic stability) indicates that this missense variant is not expected to disrupt DNA2 protein function with a negative predictive value of 80%. Algorithms developed to predict the effect of sequence changes on RNA splicing suggest that this variant may disrupt the consensus splice site. In summary, the available evidence is currently insufficient to determine the role of this variant in disease. Therefore, it has been classified as a Variant of Uncertain Significance.

NM_001080449.3(DNA2):c.1103G>A (p.Arg368His)

Gene: DNA2 (DNA replication helicase/nuclease 2; minus strand). Cytogenetic location: 10q21.3.
Variant type: single nucleotide variant.
Coding change: c.1103G>A on transcript NM_001080449.3 (MANE Select); coding-DNA position 1103, G replaced by A.
Protein change: p.Arg368His; replaces arginine 368 with histidine.
Molecular consequence: missense variant. On other transcripts: non-coding transcript variant (1).
Genome position (GRCh38, 1-based): chr10:68,445,038, C>T on the plus strand (G>A on the coding strand, the complement: DNA2 is on the minus strand). VCF-style: chr10-68445038-C-T. GRCh37 (hg19) VCF-style: chr10-70204795-C-T.
Other names: short protein forms R368H.
Identifiers: ClinVar variation 3610666 (VCV003610666.2).